The following is an entry in ClinVar:

NM_001085411.3(NADK2):c.703C>T (p.Pro235Ser)

Gene: NADK2 (NAD kinase 2, mitochondrial; minus strand). Cytogenetic location: 5p13.2.
Variant type: single nucleotide variant.
Coding change: c.703C>T on transcript NM_001085411.3 (MANE Select); coding-DNA position 703, C replaced by T.
Protein change: p.Pro235Ser; replaces proline 235 with serine.
Molecular consequence: missense variant.
Genome position (GRCh38, 1-based): chr5:36,217,826, G>A on the plus strand (C>T on the coding strand, the complement: NADK2 is on the minus strand). VCF-style: chr5-36217826-G-A. GRCh37 (hg19) VCF-style: chr5-36217928-G-A.
Other names: c.214C>T, p.Pro72Ser (NM_001287340.2, NM_001287341.2, NM_153013.5); short protein forms P72S, P235S.
Identifiers: ClinVar variation 1463792 (VCV001463792.8), dbSNP rs2112132418, ClinGen allele CA359455317.

ClinVar aggregate classification (germline): Uncertain significance (1 of 4 stars; one submission).

Conditions:
Progressive encephalopathy with leukodystrophy due to DECR deficiency. Identifiers: Orphanet 431361, MedGen C1857252, MONDO:0014464, OMIM 616034.

Submission:

Labcorp Genetics (formerly Invitae), Labcorp
Classification: Uncertain significance for Progressive encephalopathy with leukodystrophy due to DECR deficiency. Last evaluated: 2022-08-10. Review status: criteria provided, single submitter. Criteria: Invitae Variant Classification Sherloc (09022015). Collection method: clinical testing. Allele origin: germline.
Comment: In summary, the available evidence is currently insufficient to determine the role of this variant in disease. Therefore, it has been classified as a Variant of Uncertain Significance. Algorithms developed to predict the effect of missense changes on protein structure and function are either unavailable or do not agree on the potential impact of this missense change (SIFT: "Tolerated"; PolyPhen-2: "Possibly Damaging"; Align-GVGD: "Class C25"). ClinVar contains an entry for this variant (Variation ID: 1463792). This variant has not been reported in the literature in individuals affected with NADK2-related conditions. This variant is not present in population databases (gnomAD no frequency). This sequence change replaces proline, which is neutral and non-polar, with serine, which is neutral and polar, at codon 235 of the NADK2 protein (p.Pro235Ser).